The following is an entry in ClinVar:

NM_001042681.2(RERE):c.3942C>A (p.Ile1314=)

Gene: RERE (arginine-glutamic acid dipeptide repeats; minus strand). Cytogenetic location: 1p36.23.
Variant type: single nucleotide variant.
Coding change: c.3942C>A on transcript NM_001042681.2 (MANE Select); coding-DNA position 3942, C replaced by A.
Protein change: p.Ile1314=; no amino-acid change (isoleucine 1314 retained).
Molecular consequence: synonymous variant.
Genome position (GRCh38, 1-based): chr1:8,358,593, G>T on the plus strand (C>A on the coding strand, the complement: RERE is on the minus strand). VCF-style: chr1-8358593-G-T. GRCh37 (hg19) VCF-style: chr1-8418653-G-T.
Other names: c.2280C>A, p.Ile760= (NM_001042682.2); c.3942C>A, p.Ile1314= (NM_012102.4).
Identifiers: ClinVar variation 710681 (VCV000710681.31), dbSNP rs751808354, ClinGen allele CA416029683.

ClinVar aggregate classification (germline): Likely benign. Review status: criteria provided, multiple submitters, no conflicts (2 of 4 stars). 2 submissions from 2 submitters: Likely benign (2). Last evaluated 2023-01-01.

Allele frequency attached by ClinVar (database versions not stated): TOPMed 0.00001.
gnomAD v4.1: 4 of 1,600,448 alleles (0.00025%); highest among the groups gnomAD compares: Non-Finnish European, 0.00034%; no homozygotes.

Submissions (2):

CeGaT Center for Human Genetics Tuebingen
Classification: Likely benign. Last evaluated: 2023-01-01. Review status: criteria provided, single submitter. Criteria: CeGaT Center For Human Genetics Tuebingen Variant Classification Criteria Version 2. Collection method: clinical testing. Allele origin: germline. Affected: yes. Observed: 1 variant allele.
Comment: RERE: BP4, BP7

Labcorp Genetics (formerly Invitae), Labcorp
Classification: Likely benign. Last evaluated: 2017-08-31. Review status: criteria provided, single submitter. Criteria: Invitae Variant Classification Sherloc (09022015). Collection method: clinical testing. Allele origin: germline.